The following is an entry in ClinVar:

NM_001378414.1(HDAC4):c.642T>A (p.Ser214Arg)

Gene: HDAC4 (histone deacetylase 4; minus strand). Cytogenetic location: 2q37.3.
Variant type: single nucleotide variant.
Coding change: c.642T>A on transcript NM_001378414.1 (MANE Select); coding-DNA position 642, T replaced by A.
Protein change: p.Ser214Arg; replaces serine 214 with arginine.
Molecular consequence: missense variant.
Genome position (GRCh38, 1-based): chr2:239,156,743, A>T on the plus strand (T>A on the coding strand, the complement: HDAC4 is on the minus strand). VCF-style: chr2-239156743-A-T. GRCh37 (hg19) VCF-style: chr2-240078439-A-T.
Other names: c.642T>A, p.Ser214Arg (NM_001378415.1, NM_001378416.1, NM_001378417.1 and 1 more transcripts); short protein forms S214R.
Identifiers: ClinVar variation 2580610 (VCV002580610.1), dbSNP rs2472654661, ClinGen allele CA351271709.
Genomic context (GRCh38, chr2:239,156,743, plus strand): 5'-GTCGTACATTCCCAGGACCGGGTGGTTATAGGAGGTCGACACTCCGCTCTGGGGTGGAGA[A>T]CTCTGGTCAAGGGAACTGTGCTGCGTTTTCCTGGAGAGAAGGCAAAGACAGATGGTTTAG-3'
Protein context (NP_001365343.1, residues 204-224): GKTQHSSLDQ[Ser214Arg]SPPQSGVSTS

ClinVar aggregate classification (germline): Uncertain significance (1 of 4 stars; one submission).

Submission:

GeneDx
Classification: Uncertain significance. Last evaluated: 2023-03-22. Review status: criteria provided, single submitter. Criteria: GeneDx Variant Classification Process June 2021. Collection method: clinical testing. Allele origin: germline. Affected: yes.
Comment: Not observed at significant frequency in large population cohorts (gnomAD); In silico analysis supports that this missense variant has a deleterious effect on protein structure/function; Has not been previously published as pathogenic or benign to our knowledge